The following is an entry in ClinVar:

NM_144499.3(GNAT1):c.469C>T (p.Arg157Cys)

Gene: GNAT1 (G protein subunit alpha transducin 1; plus strand). Cytogenetic location: 3p21.31.
Variant type: single nucleotide variant.
Coding change: c.469C>T on transcript NM_144499.3 (MANE Select); coding-DNA position 469, C replaced by T.
Protein change: p.Arg157Cys; replaces arginine 157 with cysteine.
Molecular consequence: missense variant.
Genome position (GRCh38, 1-based): chr3:50,193,772, C>T. VCF-style: chr3-50193772-C-T. GRCh37 (hg19) VCF-style: chr3-50231205-C-T.
Other names: c.469C>T, p.Arg157Cys (NM_000172.4); short protein forms R157C.
Identifiers: ClinVar variation 2808547 (VCV002808547.4), dbSNP rs779522093, ClinGen allele CA352916068.
Genomic context (GRCh38, chr3:50,193,772, plus strand): 5'-CTCCACGCCTCCCCACCCACCTACGGCCGGGTCTCGCGCAGCTACCTCTCCGACCTGGAG[C>T]GCCTGGTAACCCCGGGCTACGTGCCCACCGAGCAGGACGTGCTGCGCTCGCGAGTCAAGA-3'
Protein context (NP_653082.1, residues 147-167): SAGYYLSDLE[Arg157Cys]LVTPGYVPTE

ClinVar aggregate classification (germline): Uncertain significance. Review status: criteria provided, multiple submitters, no conflicts (2 of 4 stars). 2 submissions from 2 submitters: Uncertain significance (2). Last evaluated 2022-12-20.

Allele frequency attached by ClinVar (database versions not stated): gnomAD 0.00002.

Submissions (2):

Labcorp Genetics (formerly Invitae), Labcorp
Classification: Uncertain significance. Last evaluated: 2022-12-20. Review status: criteria provided, single submitter. Criteria: Invitae Variant Classification Sherloc (09022015). Collection method: clinical testing. Allele origin: germline.
Comment: This sequence change replaces arginine, which is basic and polar, with cysteine, which is neutral and slightly polar, at codon 157 of the GNAT1 protein (p.Arg157Cys). This variant is not present in population databases (gnomAD no frequency). This variant has not been reported in the literature in individuals affected with GNAT1-related conditions. Advanced modeling of protein sequence and biophysical properties (such as structural, functional, and spatial information, amino acid conservation, physicochemical variation, residue mobility, and thermodynamic stability) performed at Invitae indicates that this missense variant is expected to disrupt GNAT1 protein function. In summary, the available evidence is currently insufficient to determine the role of this variant in disease. Therefore, it has been classified as a Variant of Uncertain Significance.

Blueprint Genetics
Classification: Uncertain significance. Last evaluated: 2018-12-04. Review status: criteria provided, single submitter. Criteria: ACMG Guidelines, 2015. Collection method: clinical testing. Allele origin: germline.